The following is an entry in ClinVar:

ClinVar aggregate classification (germline): Pathogenic (1 of 4 stars; one submission).

Submission:

Labcorp Genetics (formerly Invitae), Labcorp
Classification: Pathogenic. Last evaluated: 2022-01-22. Review status: criteria provided, single submitter. Criteria: Invitae Variant Classification Sherloc (09022015). Collection method: clinical testing. Allele origin: germline.
Comment: A gross deletion of the genomic region encompassing the full coding sequence of the CACNA1F gene has been identified. Loss-of-function variants in CACNA1F are known to be pathogenic (PMID: 9662399, 11281458, 17525176, 22194652, 24124559, 26992781). The boundaries of this event are unknown as they extend beyond the assayed region for this gene and therefore may encompass additional genes. This variant has not been reported in the literature in individuals affected with CACNA1F-related conditions. For these reasons, this variant has been classified as Pathogenic.

Literature cited by the submitters: PubMed 9662399; PubMed 11281458; PubMed 17525176; PubMed 22194652; PubMed 24124559; PubMed 26992781.

NC_000023.10:g.(?_48368209)_(51241672_?)del

Genes: AKAP4 (A-kinase anchoring protein 4; minus strand), BMP15 (bone morphogenetic protein 15; plus strand), CACNA1F (calcium voltage-gated channel subunit alpha1 F; minus strand), CCDC120 (coiled-coil domain containing 120; plus strand), CCDC22 (coiled-coil domain containing 22; plus strand) and 57 more. Cytogenetic location: Xp11.23-11.22.
Variant type: Deletion.
Identifiers: ClinVar variation 2425308 (VCV002425308.4).